The following is an entry in ClinVar:

ClinVar aggregate classification (germline): Likely benign. Review status: criteria provided, multiple submitters, no conflicts (2 of 4 stars). 3 submissions from 3 submitters: Likely benign (3). Last evaluated 2025-07-03.

Conditions:
PRPF8-related disorder. Also called: PRPF8-related condition.

Allele frequency attached by ClinVar (database versions not stated): ESP Exome Variant Server 0.00038.
gnomAD v4.1: 34 of 1,614,040 alleles (0.0021%); highest among the groups gnomAD compares: African/African-American, 0.045%; no homozygotes.

Submissions (3):

PreventionGenetics, part of Exact Sciences
Classification: Likely benign for PRPF8-related condition. Last evaluated: 2025-07-03. Review status: criteria provided, single submitter. Criteria: ACMG Guidelines, 2015. Collection method: clinical testing. Allele origin: germline.
Comment: This variant is classified as likely benign based on ACMG/AMP sequence variant interpretation guidelines (Richards et al. 2015 PMID: 25741868, with internal and published modifications).

Labcorp Genetics (formerly Invitae), Labcorp
Classification: Likely benign. Last evaluated: 2025-03-31. Review status: criteria provided, single submitter. Criteria: Invitae Variant Classification Sherloc (09022015). Collection method: clinical testing. Allele origin: germline.

Blueprint Genetics
Classification: Likely benign. Last evaluated: 2021-08-13. Review status: criteria provided, single submitter. Criteria: ACMG Guidelines, 2015. Collection method: clinical testing. Allele origin: germline.

NM_006445.4(PRPF8):c.5685G>T (p.Ala1895=)

Gene: PRPF8 (pre-mRNA processing factor 8; minus strand). Cytogenetic location: 17p13.3.
Variant type: single nucleotide variant.
Coding change: c.5685G>T on transcript NM_006445.4 (MANE Select); coding-DNA position 5685, G replaced by T.
Protein change: p.Ala1895=; no amino-acid change (alanine 1895 retained).
Molecular consequence: synonymous variant.
Genome position (GRCh38, 1-based): chr17:1,656,500, C>A on the plus strand (G>T on the coding strand, the complement: PRPF8 is on the minus strand). VCF-style: chr17-1656500-C-A. GRCh37 (hg19) VCF-style: chr17-1559794-C-A.
Other names: c.5685G>T (NM_006445.3).
Identifiers: ClinVar variation 1100136 (VCV001100136.9), dbSNP rs149841154, ClinGen allele CA8271362.